The following is an entry in ClinVar:

NM_001267550.2(TTN):c.50215A>G (p.Ile16739Val)

Genes: TTN-AS1 (TTN antisense RNA 1; plus strand), TTN (titin; minus strand). Cytogenetic location: 2q31.2.
Variant type: single nucleotide variant.
Coding change: c.50215A>G on transcript NM_001267550.2 (MANE Select); coding-DNA position 50215, A replaced by G.
Protein change: p.Ile16739Val; replaces isoleucine 16739 with valine.
Molecular consequence: missense variant.
Genome position (GRCh38, 1-based): chr2:178,612,310, T>C on the plus strand (A>G on the coding strand, the complement: TTN is on the minus strand). VCF-style: chr2-178612310-T-C. GRCh37 (hg19) VCF-style: chr2-179477037-T-C.
Other names: c.45292A>G, p.Ile15098Val (NM_001256850.1); c.23020A>G, p.Ile7674Val (NM_003319.4); c.42511A>G, p.Ile14171Val (NM_133378.4); c.23395A>G, p.Ile7799Val (NM_133432.3); c.23596A>G, p.Ile7866Val (NM_133437.4); short protein forms I16739V, I7674V, I15098V, I7799V, I7866V, I14171V.
Identifiers: ClinVar variation 519106 (VCV000519106.5), dbSNP rs1553698265, ClinGen allele CA349598139.

ClinVar aggregate classification (germline): Uncertain significance (1 of 4 stars; one submission).

Conditions:
Cardiovascular phenotype. Identifiers: MedGen CN230736.

Allele frequency attached by ClinVar (database versions not stated): gnomAD exomes below 0.00001.
gnomAD v4.1: 1 of 1,612,610 alleles (0.000062%); highest among the groups gnomAD compares: African/African-American, 0.0013%; no homozygotes.

Submission:

Ambry Genetics
Classification: Uncertain significance for Cardiovascular phenotype. Last evaluated: 2016-09-10. Review status: criteria provided, single submitter. Criteria: Ambry Variant Classification Scheme 2023. Collection method: clinical testing. Allele origin: germline.
Comment: The p.I7674V variant (also known as c.23020A>G), located in coding exon 93 of the TTN gene, results from an A to G substitution at nucleotide position 23020. The isoleucine at codon 7674 is replaced by valine, an amino acid with highly similar properties, and is located in the A-band region of the N2-B isoform of the titin protein. This variant was not reported in population based cohorts in the following databases: Database of Single Nucleotide Polymorphisms (dbSNP), NHLBI Exome Sequencing Project (ESP), and 1000 Genomes Project. In the ESP, this variant was not observed in 6085 samples (12170 alleles) with coverage at this position. This amino acid position is not well conserved in available vertebrate species, and valine is the reference amino acid in other vertebrate species. In addition, this alteration is predicted to be tolerated by in silico analysis. Since supporting evidence is limited at this time, the clinical significance of this alteration remains unclear.